The following is an entry in ClinVar:

ClinVar aggregate classification (germline): Likely pathogenic. Review status: criteria provided, multiple submitters, no conflicts (2 of 4 stars). 3 submissions from 3 submitters: Likely pathogenic (3). Last evaluated 2025-06-11.

Conditions:
MYO7A-related disorder. Also called: MYO7A-related disorders.

Submissions (3):

Women's Health and Genetics/Laboratory Corporation of America, LabCorp
Classification: Likely pathogenic for MYO7A-Related Disorders. Last evaluated: 2025-06-11. Review status: criteria provided, single submitter. Criteria: LabCorp Variant Classification Summary - May 2015. Collection method: clinical testing. Allele origin: germline.
Comment: Variant summary: MYO7A c.3935T>C (p.Leu1312Pro) results in a non-conservative amino acid change in the encoded protein sequence. Algorithms developed to predict the effect of missense changes on protein structure and function all suggest that this variant is likely to be disruptive. The variant was absent in 246400 control chromosomes (gnomAD). c.3935T>C has been observed in individuals affected with autosomal recessive nonsyndromic hearing loss (Vona_2014, Ma_2023). These data indicate that the variant is likely to be associated with disease. To our knowledge, no experimental evidence demonstrating an impact on protein function has been reported. The following publications have been ascertained in the context of this evaluation (PMID: 24875298, 36597107). ClinVar contains an entry for this variant (Variation ID: 2735709). Based on the evidence outlined above, the variant was classified as likely pathogenic.

Labcorp Genetics (formerly Invitae), Labcorp
Classification: Likely pathogenic. Last evaluated: 2023-08-19. Review status: criteria provided, single submitter. Criteria: Invitae Variant Classification Sherloc (09022015). Collection method: clinical testing. Allele origin: germline.
Comment: Advanced modeling of protein sequence and biophysical properties (such as structural, functional, and spatial information, amino acid conservation, physicochemical variation, residue mobility, and thermodynamic stability) performed at Invitae indicates that this missense variant is expected to disrupt MYO7A protein function. This missense change has been observed in individual(s) with autosomal recessive non-syndromic deafness and/or clinical features of Usher syndrome (PMID: 24875298; Invitae). This variant is not present in population databases (gnomAD no frequency). This sequence change replaces leucine, which is neutral and non-polar, with proline, which is neutral and non-polar, at codon 1312 of the MYO7A protein (p.Leu1312Pro). In summary, the currently available evidence indicates that the variant is pathogenic, but additional data are needed to prove that conclusively. Therefore, this variant has been classified as Likely Pathogenic.

Blueprint Genetics
Classification: Likely pathogenic for MYO7A-related disorders. Last evaluated: 2022-01-06. Review status: criteria provided, single submitter. Criteria: ACMG Guidelines, 2015. Collection method: clinical testing. Allele origin: germline. Affected: yes. Observed: 1 variant allele.

Literature cited by the submitters: PubMed 36597107 (cited by Women's Health and Genetics/Laboratory Corporation of America, LabCorp); PubMed 24875298 (cited by Women's Health and Genetics/Laboratory Corporation of America, LabCorp and Labcorp Genetics (formerly Invitae), Labcorp).

NM_000260.4(MYO7A):c.3935T>C (p.Leu1312Pro)

Gene: MYO7A (myosin VIIA; plus strand). Cytogenetic location: 11q13.5.
Variant type: single nucleotide variant.
Coding change: c.3935T>C on transcript NM_000260.4 (MANE Select); coding-DNA position 3935, T replaced by C.
Protein change: p.Leu1312Pro; replaces leucine 1312 with proline.
Molecular consequence: missense variant.
Genome position (GRCh38, 1-based): chr11:77,192,061, T>C. VCF-style: chr11-77192061-T-C. GRCh37 (hg19) VCF-style: chr11-76903106-T-C.
Other names: c.3935T>C, p.Leu1312Pro (NM_001127180.2); c.3902T>C, p.Leu1301Pro (NM_001369365.1); short protein forms L1301P, L1312P.
Identifiers: ClinVar variation 2735709 (VCV002735709.5), dbSNP rs2497407763, ClinGen allele CA381948383.